The following is an entry in ClinVar:

ClinVar aggregate classification (germline): Uncertain significance (1 of 4 stars; one submission).

Conditions:
Epileptic encephalopathy. Identifiers: MedGen C0543888, HP:0200134.

Submission:

Labcorp Genetics (formerly Invitae), Labcorp
Classification: Uncertain significance for Epileptic encephalopathy. Last evaluated: 2024-10-30. Review status: criteria provided, single submitter. Criteria: Invitae Variant Classification Sherloc (09022015). Collection method: clinical testing. Allele origin: germline.
Comment: This sequence change replaces aspartic acid, which is acidic and polar, with glutamic acid, which is acidic and polar, at codon 837 of the FASN protein (p.Asp837Glu). This variant is present in population databases (no rsID available, gnomAD 0.0009%). This variant has not been reported in the literature in individuals affected with FASN-related conditions. ClinVar contains an entry for this variant (Variation ID: 1945404). An algorithm developed to predict the effect of missense changes on protein structure and function (PolyPhen-2) suggests that this variant is likely to be tolerated. In summary, the available evidence is currently insufficient to determine the role of this variant in disease. Therefore, it has been classified as a Variant of Uncertain Significance.

NM_004104.5(FASN):c.2511C>G (p.Asp837Glu)

Gene: FASN (fatty acid synthase; minus strand). Cytogenetic location: 17q25.3.
Variant type: single nucleotide variant.
Coding change: c.2511C>G on transcript NM_004104.5 (MANE Select); coding-DNA position 2511, C replaced by G.
Protein change: p.Asp837Glu; replaces aspartic acid 837 with glutamic acid.
Molecular consequence: missense variant.
Genome position (GRCh38, 1-based): chr17:82,088,472, G>C on the plus strand (C>G on the coding strand, the complement: FASN is on the minus strand). VCF-style: chr17-82088472-G-C. GRCh37 (hg19) VCF-style: chr17-80046348-G-C.
Other names: short protein forms D837E.
Identifiers: ClinVar variation 1945404 (VCV001945404.5), dbSNP rs1376978240, ClinGen allele CA401557346.
Genomic context (GRCh38, chr17:82,088,472, plus strand): 5'-GGGGGAACCTGAACCGTTGGGGAAGTCCTCGGCGGCCGGCACGTCCCAGGCCAGGCTGTG[G>C]TCCCACTTGATGAGTGGGGAGATGAGGGGAGTTCCTCGGGGAGCTGGGAACTCCACAGGT-3'
Protein context (NP_004095.4, residues 827-847): TPLISPLIKW[Asp837Glu]HSLAWDVPAA